The following is an entry in ClinVar:

ClinVar aggregate classification (germline): Uncertain significance. Review status: criteria provided, multiple submitters, no conflicts (2 of 4 stars). 2 submissions from 2 submitters: Uncertain significance (2). Last evaluated 2024-08-19.

Conditions:
Retinitis pigmentosa 25 (RP25). Identifiers: Orphanet 791, MedGen C1864446, MONDO:0011272, OMIM 602772.

Submissions (2):

3billion
Classification: Uncertain significance for Retinitis pigmentosa 25. Last evaluated: 2024-08-19. Review status: criteria provided, single submitter. Criteria: ACMG Guidelines, 2015. Collection method: clinical testing. Allele origin: germline. Affected: yes.
Comment: The variant is not observed in the gnomAD v4.0.0 dataset. Predicted Consequence/Location: Intron variant In silico tools predict the variant to alter splicing and produce an abnormal transcript [SpliceAI: 0.56 (>=0.2, moderate evidence for spliceogenicity)]. The variant has been reported as of uncertain significance (ClinVar ID: VCV001349113). Therefore, this variant is classified as VUS according to the recommendation of ACMG/AMP guideline.

Labcorp Genetics (formerly Invitae), Labcorp
Classification: Uncertain significance. Last evaluated: 2022-03-10. Review status: criteria provided, single submitter. Criteria: Invitae Variant Classification Sherloc (09022015). Collection method: clinical testing. Allele origin: germline.
Comment: This sequence change falls in intron 22 of the EYS gene. It does not directly change the encoded amino acid sequence of the EYS protein. It affects a nucleotide within the consensus splice site. This variant is not present in population databases (gnomAD no frequency). This variant has not been reported in the literature in individuals affected with EYS-related conditions. Variants that disrupt the consensus splice site are a relatively common cause of aberrant splicing (PMID: 17576681, 9536098). Algorithms developed to predict the effect of sequence changes on RNA splicing suggest that this variant may create or strengthen a splice site. In summary, the available evidence is currently insufficient to determine the role of this variant in disease. Therefore, it has been classified as a Variant of Uncertain Significance.

Literature cited by the submitters: PubMed 17576681 (cited by Labcorp Genetics (formerly Invitae), Labcorp); PubMed 9536098 (cited by Labcorp Genetics (formerly Invitae), Labcorp).

NM_001142800.2(EYS):c.3443+4A>C

Gene: EYS (eyes shut homolog; minus strand). Cytogenetic location: 6q12.
Variant type: single nucleotide variant.
Coding change: c.3443+4A>C on transcript NM_001142800.2 (MANE Select); 4 bases into the intron after coding-DNA position 3443, A replaced by C.
Molecular consequence: intron variant.
Genome position (GRCh38, 1-based): chr6:64,813,374, T>G on the plus strand (A>C on the coding strand, the complement: EYS is on the minus strand). VCF-style: chr6-64813374-T-G. GRCh37 (hg19) VCF-style: chr6-65523267-T-G.
Other names: c.3443+4A>C (NM_001292009.2).
Identifiers: ClinVar variation 1349113 (VCV001349113.4), dbSNP rs2150016072, ClinGen allele CA2573141016.